The following is an entry in ClinVar:

ClinVar aggregate classification (germline): Uncertain significance (1 of 4 stars; one submission).

Submissions (2):

GeneDx
Classification: Uncertain significance. Last evaluated: 2025-07-25. Review status: criteria provided, single submitter. Criteria: GeneDx Variant Classification Process June 2021. Collection method: clinical testing. Allele origin: germline.
Comment: In silico analysis suggests that this missense variant does not alter protein structure/function; Has not been previously published as pathogenic or benign to our knowledge

Dr. Peter K. Rogan Lab, Western University
No classification provided (evidence only). Condition: Colorectal cancer. Review status: no classification provided. Collection method: in vitro. Allele origin: not applicable. Functional consequence: retained intron. Not counted in ClinVar's aggregate classification.

NM_001080453.3(INTS1):c.4031G>A (p.Arg1344Gln)

Gene: INTS1 (integrator complex subunit 1; minus strand). Cytogenetic location: 7p22.3.
Variant type: single nucleotide variant.
Coding change: c.4031G>A on transcript NM_001080453.3 (MANE Select); coding-DNA position 4031, G replaced by A.
Protein change: p.Arg1344Gln; replaces arginine 1344 with glutamine.
Molecular consequence: missense variant.
Genome position (GRCh38, 1-based): chr7:1,480,360, C>T on the plus strand (G>A on the coding strand, the complement: INTS1 is on the minus strand). VCF-style: chr7-1480360-C-T. GRCh37 (hg19) VCF-style: chr7-1519996-C-T.
Other names: NC_000007.13:g.1519996C>T; short protein forms R1344Q.
Identifiers: ClinVar variation 3906601 (VCV003906601.3).